The following is an entry in ClinVar:

NM_024422.6(DSC2):c.904G>T (p.Gly302Cys)

Gene: DSC2 (desmocollin 2; minus strand). Cytogenetic location: 18q12.1.
Variant type: single nucleotide variant.
Coding change: c.904G>T on transcript NM_024422.6 (MANE Select); coding-DNA position 904, G replaced by T.
Protein change: p.Gly302Cys; replaces glycine 302 with cysteine.
Molecular consequence: missense variant.
Genome position (GRCh38, 1-based): chr18:31,086,614, C>A on the plus strand (G>T on the coding strand, the complement: DSC2 is on the minus strand). VCF-style: chr18-31086614-C-A. GRCh37 (hg19) VCF-style: chr18-28666577-C-A.
Other names: c.475G>T, p.Gly159Cys (NM_001406506.1, NM_001406507.1); c.904G>T, p.Gly302Cys (NM_004949.5); short protein forms G159C, G302C.
Identifiers: ClinVar variation 4538747 (VCV004538747.1).
Genomic context (GRCh38, chr18:31,086,614, plus strand): 5'-GTTTTATTAATGTTTATGTTACCTCTCTGTCTAGCTGAGATGATGTTGTGGTGATCACGC[C>A]TGTAGTTGGATGCATAGAAAATAGGGTGGGTGATGGTGGCACCTGCCCAATGATGGAGTA-3'
Protein context (NP_077740.1, residues 292-312): PTLFSMHPTT[Gly302Cys]VITTTSSQLD

ClinVar aggregate classification (germline): Uncertain significance (1 of 4 stars; one submission).

Submission:

GeneDx
Classification: Uncertain significance. Last evaluated: 2025-06-18. Review status: criteria provided, single submitter. Criteria: GeneDx Variant Classification Process June 2021. Collection method: clinical testing. Allele origin: germline. Affected: yes.
Comment: Not observed at significant frequency in large population cohorts (gnomAD); In silico analysis supports that this missense variant has a deleterious effect on protein structure/function; Has not been previously published as pathogenic or benign to our knowledge